The following is an entry in ClinVar:

NM_205850.3(SLC24A5):c.122-4A>T

Gene: SLC24A5 (solute carrier family 24 member 5; plus strand). Cytogenetic location: 15q21.1.
Variant type: single nucleotide variant.
Coding change: c.122-4A>T on transcript NM_205850.3 (MANE Select); 4 bases into the intron before coding-DNA position 122, A replaced by T.
Molecular consequence: intron variant.
Genome position (GRCh38, 1-based): chr15:48,121,853, A>T. VCF-style: chr15-48121853-A-T. GRCh37 (hg19) VCF-style: chr15-48414050-A-T.
Identifiers: ClinVar variation 2806469 (VCV002806469.3), dbSNP rs1334844316, ClinGen allele CA618011871.

ClinVar aggregate classification (germline): Uncertain significance (1 of 4 stars; one submission).

Allele frequency attached by ClinVar (database versions not stated): gnomAD exomes below 0.00001.

Submission:

Labcorp Genetics (formerly Invitae), Labcorp
Classification: Uncertain significance. Last evaluated: 2024-10-15. Review status: criteria provided, single submitter. Criteria: Invitae Variant Classification Sherloc (09022015). Collection method: clinical testing. Allele origin: germline.
Comment: This sequence change falls in intron 1 of the SLC24A5 gene. It does not directly change the encoded amino acid sequence of the SLC24A5 protein. This variant is present in population databases (no rsID available, gnomAD 0.002%). This variant has not been reported in the literature in individuals affected with SLC24A5-related conditions. Algorithms developed to predict the effect of sequence changes on RNA splicing suggest that this variant may disrupt the consensus splice site. In summary, the available evidence is currently insufficient to determine the role of this variant in disease. Therefore, it has been classified as a Variant of Uncertain Significance.